The following is an entry in ClinVar:

ClinVar aggregate classification (germline): Benign/Likely benign (0 of 4 stars; one submission).

Submission:

ISCA Site 6
Classification: Benign/Likely benign. Last evaluated: 2010-11-30. Review status: no assertion criteria provided. Collection method: clinical testing. Allele origin: unknown. Affected: yes. Observed: 2 variant alleles.
Comment: Likely benign (1), Benign (1)

Copy number variation identified through the course of routine clinical cytogenomic testing in postnatal populations, with clinical assertions as classified by the original submitter.

GRCh38/hg38 9p24.3(chr9:211086-356079)x3

Genes: DOCK8 (dedicator of cytokinesis 8; plus strand), DOCK8-AS1 (DOCK8 antisense RNA 1; minus strand), LOC126860552 (BRD4-independent group 4 enhancer GRCh37_chr9:285795-286994; plus strand), LOC130001435 (ATAC-STARR-seq lymphoblastoid silent region 19720; plus strand), LOC130001436 (ATAC-STARR-seq lymphoblastoid silent region 19721; plus strand) and 4 more. Cytogenetic location: 9p24.3.
Variant type: copy number gain.
Change: copy number 3 (three copies instead of two) of chr9:211,086-356,079 (145.0 kb, GRCh38 coordinates, 1-based), cytogenetic band 9p24.3.
Identifiers: ClinVar variation 145788 (VCV000145788.3).